The following is an entry in ClinVar:

NM_001868.4(CPA1):c.208C>T (p.Pro70Ser)

Gene: CPA1 (carboxypeptidase A1; plus strand). Cytogenetic location: 7q32.2.
Variant type: single nucleotide variant.
Coding change: c.208C>T on transcript NM_001868.4 (MANE Select); coding-DNA position 208, C replaced by T.
Protein change: p.Pro70Ser; replaces proline 70 with serine.
Molecular consequence: missense variant.
Genome position (GRCh38, 1-based): chr7:130,381,690, C>T. VCF-style: chr7-130381690-C-T. GRCh37 (hg19) VCF-style: chr7-130021531-C-T.
Other names: c.208C>T (NM_001868.2); short protein forms P70S.
Identifiers: ClinVar variation 1437439 (VCV001437439.8), dbSNP rs1796406634, ClinGen allele CA369279788.

ClinVar aggregate classification (germline): Conflicting classifications of pathogenicity. Review status: criteria provided, conflicting classifications (1 of 4 stars). 2 submissions from 2 submitters: Uncertain significance (1); Likely benign (1). Last evaluated 2025-06-05.

Conditions:
Hereditary pancreatitis (PCTT). Also called: PRSS1-Related Hereditary Pancreatitis; Hereditary chronic pancreatitis. Identifiers: Orphanet 676, MedGen C0238339, MONDO:0008185, OMIM 167800.

Allele frequency attached by ClinVar (database versions not stated): gnomAD exomes below 0.00001; gnomAD 0.00001.
gnomAD v4.1: 4 of 1,613,992 alleles (0.00025%); highest among the groups gnomAD compares: South Asian, 0.0022%; no homozygotes.

Submissions (2):

Ambry Genetics
Classification: Likely benign for Hereditary pancreatitis. Last evaluated: 2025-06-05. Review status: criteria provided, single submitter. Criteria: Ambry Variant Classification Scheme 2023. Collection method: clinical testing. Allele origin: germline.

Labcorp Genetics (formerly Invitae), Labcorp
Classification: Uncertain significance. Last evaluated: 2021-10-04. Review status: criteria provided, single submitter. Criteria: Invitae Variant Classification Sherloc (09022015). Collection method: clinical testing. Allele origin: germline.
Comment: In summary, the available evidence is currently insufficient to determine the role of this variant in disease. Therefore, it has been classified as a Variant of Uncertain Significance. Algorithms developed to predict the effect of missense changes on protein structure and function output the following: SIFT: "Tolerated"; PolyPhen-2: "Benign"; Align-GVGD: "Class C0". The serine amino acid residue is found in multiple mammalian species, which suggests that this missense change does not adversely affect protein function. This variant has not been reported in the literature in individuals affected with CPA1-related conditions. This variant is not present in population databases (ExAC no frequency). This sequence change replaces proline with serine at codon 70 of the CPA1 protein (p.Pro70Ser). The proline residue is moderately conserved and there is a moderate physicochemical difference between proline and serine.